The following is an entry in ClinVar:

NM_003742.4(ABCB11):c.2875T>G (p.Phe959Val)

Genes: ABCB11 (ATP binding cassette subfamily B member 11; minus strand), LOC126806400 (CDK7 strongly-dependent group 2 enhancer GRCh37_chr2:169791870-169793069; plus strand). Cytogenetic location: 2q31.1.
Variant type: single nucleotide variant.
Coding change: c.2875T>G on transcript NM_003742.4 (MANE Select); coding-DNA position 2875, T replaced by G.
Protein change: p.Phe959Val; replaces phenylalanine 959 with valine.
Molecular consequence: missense variant.
Genome position (GRCh38, 1-based): chr2:168,935,365, A>C on the plus strand (T>G on the coding strand, the complement: ABCB11 is on the minus strand). VCF-style: chr2-168935365-A-C. GRCh37 (hg19) VCF-style: chr2-169791875-A-C.
Other names: short protein forms F959V.
Identifiers: ClinVar variation 4846002 (VCV004846002.1).

ClinVar aggregate classification (germline): Uncertain significance (1 of 4 stars; one submission).

Conditions:
Familial intrahepatic cholestasis. Identifiers: Orphanet 284385, MedGen CN296401, MONDO:0017290.

Submission:

Genomenon, Inc
Classification: Uncertain significance for Familial intrahepatic cholestasis. Last evaluated: 2026-04-14. Review status: criteria provided, single submitter. Criteria: Genomenon Sequence Variant Interpretation Standards - Updated. Collection method: curation. Allele origin: germline. Affected: no.
Comment: ABCB11 p.Phe959Val (c.2875T>G) is a missense variant that changes the amino acid at residue 959 from Phenylalanine to Valine. This variant has been reported in the published literature (PMID:22795478). It is absent or not present at a significant frequency in gnomAD. In silico models predict that this variant is possibly or probably damaging. In conclusion, we classify ABCB11 p.Phe959Val (c.2875T>G) as a variant of uncertain significance.

Literature cited by the submitters: PubMed 22795478.